The following is an entry in ClinVar:

ClinVar aggregate classification (germline): Uncertain significance. Review status: criteria provided, multiple submitters, no conflicts (2 of 4 stars). 2 submissions from 2 submitters: Uncertain significance (2). Last evaluated 2025-06-25.

Conditions:
Hereditary cancer-predisposing syndrome. Also called: Hereditary Cancer Syndrome; Hereditary neoplastic syndrome; Neoplastic Syndromes, Hereditary; Tumor predisposition. Identifiers: Orphanet 140162, MedGen C0027672, MeSH D009386, MONDO:0015356.

Submissions (2):

Color Diagnostics, LLC DBA Color Health
Classification: Uncertain significance for Hereditary cancer-predisposing syndrome. Last evaluated: 2025-06-25. Review status: criteria provided, single submitter. Criteria: ACMG Guidelines, 2015. Collection method: clinical testing. Allele origin: germline.
Comment: This missense variant replaces glutamine with glutamic acid at codon 1904 of the APC protein. Computational prediction suggests that this variant may not impact protein structure and function. To our knowledge, functional studies have not been reported for this variant. This variant has not been reported in individuals affected with APC-related disorders in the literature. This variant has not been identified in the general population by the Genome Aggregation Database (gnomAD). The available evidence is insufficient to determine the role of this variant in disease conclusively. Therefore, this variant is classified as a Variant of Uncertain Significance.

Ambry Genetics
Classification: Uncertain significance for Hereditary cancer-predisposing syndrome. Last evaluated: 2025-04-03. Review status: criteria provided, single submitter. Criteria: Ambry Variant Classification Scheme 2023. Collection method: clinical testing. Allele origin: germline.
Comment: The p.Q1904E variant (also known as c.5710C>G), located in coding exon 15 of the APC gene, results from a C to G substitution at nucleotide position 5710. The glutamine at codon 1904 is replaced by glutamic acid, an amino acid with highly similar properties. Missense alterations in APC are not a common cause of disease (Spier I et al. Genet Med. 2024 Feb;26(2):100992). This amino acid position is well conserved in available vertebrate species. In addition, in silico predictors for this gene do not accurately predict pathogenicity. Based on the available evidence, the clinical significance of this variant remains unclear.

NM_000038.6(APC):c.5710C>G (p.Gln1904Glu)

Gene: APC (APC regulator of Wnt signaling pathway; plus strand). Cytogenetic location: 5q22.2.
Variant type: single nucleotide variant.
Coding change: c.5710C>G on transcript NM_000038.6 (MANE Select); coding-DNA position 5710, C replaced by G.
Protein change: p.Gln1904Glu; replaces glutamine 1904 with glutamic acid.
Molecular consequence: missense variant.
Genome position (GRCh38, 1-based): chr5:112,841,304, C>G. VCF-style: chr5-112841304-C-G. GRCh37 (hg19) VCF-style: chr5-112177001-C-G.
Other names: c.5710C>G, p.Gln1904Glu (NM_001127510.3, NM_001354895.2, NM_001407450.1); c.5656C>G, p.Gln1886Glu (NM_001127511.3); c.5764C>G, p.Gln1922Glu (NM_001354896.2, NM_001407447.1, NM_001407448.1 and 1 more transcripts); c.5740C>G, p.Gln1914Glu (NM_001354897.2); c.5635C>G, p.Gln1879Glu (NM_001354898.2); c.5626C>G, p.Gln1876Glu (NM_001354899.2); c.5587C>G, p.Gln1863Glu (NM_001354900.2); c.5533C>G, p.Gln1845Glu (NM_001354901.2, NM_001407453.1); and 11 more; short protein forms Q1778E, Q1863E, Q1879E, Q1894E, Q1904E, Q1520E, Q1744E, Q1876E.
Identifiers: ClinVar variation 1749239 (VCV001749239.4), dbSNP rs2149947171, ClinGen allele CA16033830.